The following is an entry in ClinVar:

NM_000094.4(COL7A1):c.1228A>G (p.Met410Val)

Gene: COL7A1 (collagen type VII alpha 1 chain; minus strand). Cytogenetic location: 3p21.31.
Variant type: single nucleotide variant.
Coding change: c.1228A>G on transcript NM_000094.4 (MANE Select); coding-DNA position 1228, A replaced by G.
Protein change: p.Met410Val; replaces methionine 410 with valine.
Molecular consequence: missense variant.
Genome position (GRCh38, 1-based): chr3:48,592,114, T>C on the plus strand (A>G on the coding strand, the complement: COL7A1 is on the minus strand). VCF-style: chr3-48592114-T-C. GRCh37 (hg19) VCF-style: chr3-48629547-T-C.
Other names: short protein forms M410V.
Identifiers: ClinVar variation 2770167 (VCV002770167.3), dbSNP rs2531321475, ClinGen allele CA352737004.

ClinVar aggregate classification (germline): Uncertain significance (1 of 4 stars; one submission).

Submission:

Labcorp Genetics (formerly Invitae), Labcorp
Classification: Uncertain significance. Last evaluated: 2023-10-19. Review status: criteria provided, single submitter. Criteria: Invitae Variant Classification Sherloc (09022015). Collection method: clinical testing. Allele origin: germline.
Comment: This sequence change replaces methionine, which is neutral and non-polar, with valine, which is neutral and non-polar, at codon 410 of the COL7A1 protein (p.Met410Val). This variant is not present in population databases (gnomAD no frequency). This variant has not been reported in the literature in individuals affected with COL7A1-related conditions. Advanced modeling of protein sequence and biophysical properties (such as structural, functional, and spatial information, amino acid conservation, physicochemical variation, residue mobility, and thermodynamic stability) performed at Invitae indicates that this missense variant is not expected to disrupt COL7A1 protein function. In summary, the available evidence is currently insufficient to determine the role of this variant in disease. Therefore, it has been classified as a Variant of Uncertain Significance.